The following is an entry in ClinVar:

NM_001355012.2(TJP1):c.156G>C (p.Pro52=)

Gene: TJP1 (tight junction protein 1; minus strand). Cytogenetic location: 15q13.1.
Variant type: single nucleotide variant.
Coding change: c.156G>C on transcript NM_001355012.2; coding-DNA position 156, G replaced by C.
Protein change: p.Pro52=; no amino-acid change (proline 52 retained).
Molecular consequence: synonymous variant.
Genome position (GRCh38, 1-based): chr15:29,968,684, C>G on the plus strand (G>C on the coding strand, the complement: TJP1 is on the minus strand). VCF-style: chr15-29968684-C-G. GRCh37 (hg19) VCF-style: chr15-30260887-C-G.
Other names: c.156G>C, p.Pro52= (NM_001301025.3).
Identifiers: ClinVar variation 3042194 (VCV003042194.2), dbSNP rs578151217, ClinGen allele CA7447720.

ClinVar aggregate classification (germline): Benign (0 of 4 stars; one submission).

Conditions:
TJP1-related disorder. Also called: TJP1-related condition.

Allele frequency attached by ClinVar (database versions not stated): gnomAD exomes 0.00276; 1000 Genomes Project 0.00300; 1000 Genomes Project 30x 0.00375; ExAC 0.00346.
gnomAD v4.1: 3,156 of 1,133,026 alleles (0.28%); highest among the groups gnomAD compares: Admixed American, 1.4%; 13 homozygotes.

Submission:

PreventionGenetics, part of Exact Sciences
Classification: Benign for TJP1-related condition. Last evaluated: 2019-04-09. Review status: no assertion criteria provided. Collection method: clinical testing. Allele origin: germline.
Comment: This variant is classified as benign based on ACMG/AMP sequence variant interpretation guidelines (Richards et al. 2015 PMID: 25741868, with internal and published modifications).